The following is an entry in ClinVar:

NM_001042472.3(ABHD12):c.835_837delinsTGT (p.Arg279Cys)

Gene: ABHD12 (abhydrolase domain containing 12, lysophospholipase; minus strand). Cytogenetic location: 20p11.21.
Variant type: Indel.
Coding change: c.835_837delinsTGT on transcript NM_001042472.3 (MANE Select); coding-DNA positions 835 to 837, CGC replaced by TGT.
Protein change: p.Arg279Cys; replaces arginine 279 with cysteine.
Molecular consequence: missense variant.
Genome position (GRCh38, 1-based): chr20:25,307,996-25,307,998, GCG replaced by ACA on the plus strand (CGC replaced by TGT on the coding strand, the reverse complement: ABHD12 is on the minus strand). VCF-style: chr20-25307996-GCG-ACA. GRCh37 (hg19) VCF-style: chr20-25288632-GCG-ACA.
Other names: c.835_837delinsTGT, p.Arg279Cys (NM_015600.5); short protein forms R279C.
Identifiers: ClinVar variation 3900778 (VCV003900778.1).

ClinVar aggregate classification (germline): Uncertain significance (1 of 4 stars; one submission).

Submission:

GeneDx
Classification: Uncertain significance. Last evaluated: 2024-12-01. Review status: criteria provided, single submitter. Criteria: GeneDx Variant Classification Process June 2021. Collection method: clinical testing. Allele origin: germline. Affected: yes.
Comment: Not observed at significant frequency in large population cohorts (gnomAD); In silico analysis is inconclusive as to whether the variant alters gene splicing. In the absence of RNA/functional studies, the actual effect of this sequence change is unknown.; In silico analysis supports a deleterious effect on protein structure/function; Has not been previously published as pathogenic or benign to our knowledge